The following is an entry in ClinVar:

NM_005765.3(ATP6AP2):c.734A>G (p.Gln245Arg)

Gene: ATP6AP2 (ATPase H+ transporting accessory protein 2; plus strand). Cytogenetic location: Xp11.4.
Variant type: single nucleotide variant.
Coding change: c.734A>G on transcript NM_005765.3 (MANE Select); coding-DNA position 734, A replaced by G.
Protein change: p.Gln245Arg; replaces glutamine 245 with arginine.
Molecular consequence: missense variant.
Genome position (GRCh38, 1-based): chrX:40,599,737, A>G. VCF-style: chrX-40599737-A-G. GRCh37 (hg19) VCF-style: chrX-40458989-A-G.
Other names: short protein forms Q245R.
Identifiers: ClinVar variation 3370202 (VCV003370202.1).
Genomic context (GRCh38, chrX:40,599,737, plus strand): 5'-GTTATGGGGAAGACTCTGAACAATTCAGAGATGCTTCTAAGATCCTTGTTGACGCTCTGC[A>G]AAAGGTAAATATCAATGCGACATGAGAGGTTGGAGTATGACCATTTCACTTTTAGCCTCT-3'
Protein context (NP_005756.2, residues 235-255): DASKILVDAL[Gln245Arg]KFADDMYSLY

ClinVar aggregate classification (germline): Uncertain significance (1 of 4 stars; one submission).

Submission:

GeneDx
Classification: Uncertain significance. Last evaluated: 2024-01-04. Review status: criteria provided, single submitter. Criteria: GeneDx Variant Classification Process June 2021. Collection method: clinical testing. Allele origin: germline. Affected: yes.
Comment: Not observed at significant frequency in large population cohorts (gnomAD); In silico analysis supports that this missense variant does not alter protein structure/function; Has not been previously published as pathogenic or benign to our knowledge